The following is an entry in ClinVar:

ClinVar aggregate classification (germline): Uncertain significance (1 of 4 stars; one submission).

Allele frequency attached by ClinVar (database versions not stated): gnomAD exomes below 0.00001; TOPMed 0.00001.
gnomAD v4.1: 1 of 1,614,246 alleles (0.000062%); highest among the groups gnomAD compares: Non-Finnish European, 0.000085%; no homozygotes.

Submission:

Labcorp Genetics (formerly Invitae), Labcorp
Classification: Uncertain significance. Last evaluated: 2023-08-08. Review status: criteria provided, single submitter. Criteria: Invitae Variant Classification Sherloc (09022015). Collection method: clinical testing. Allele origin: germline.
Comment: In summary, the available evidence is currently insufficient to determine the role of this variant in disease. Therefore, it has been classified as a Variant of Uncertain Significance. Advanced modeling of protein sequence and biophysical properties (such as structural, functional, and spatial information, amino acid conservation, physicochemical variation, residue mobility, and thermodynamic stability) performed at Invitae indicates that this missense variant is not expected to disrupt NBAS protein function. This variant has not been reported in the literature in individuals affected with NBAS-related conditions. This variant is not present in population databases (gnomAD no frequency). This sequence change replaces alanine, which is neutral and non-polar, with glycine, which is neutral and non-polar, at codon 2327 of the NBAS protein (p.Ala2327Gly).

NM_015909.4(NBAS):c.6980C>G (p.Ala2327Gly)

Gene: NBAS (NBAS subunit of NRZ tethering complex; minus strand). Cytogenetic location: 2p24.3.
Variant type: single nucleotide variant.
Coding change: c.6980C>G on transcript NM_015909.4 (MANE Select); coding-DNA position 6980, C replaced by G.
Protein change: p.Ala2327Gly; replaces alanine 2327 with glycine.
Molecular consequence: missense variant. On other transcripts: non-coding transcript variant (1).
Genome position (GRCh38, 1-based): chr2:15,167,184, G>C on the plus strand (C>G on the coding strand, the complement: NBAS is on the minus strand). VCF-style: chr2-15167184-G-C. GRCh37 (hg19) VCF-style: chr2-15307308-G-C.
Other names: short protein forms A2327G.
Identifiers: ClinVar variation 2826122 (VCV002826122.3), dbSNP rs1664063544, ClinGen allele CA345911195.